The following is an entry in ClinVar:

ClinVar aggregate classification (germline): Pathogenic. Review status: criteria provided, multiple submitters, no conflicts (2 of 4 stars). 2 submissions from 2 submitters: Pathogenic (2). Last evaluated 2023-04-04.

Conditions:
Usher syndrome type 2A. Also called: USHER SYNDROME, TYPE IIA; RETINAL DISEASE IN USHER SYNDROME TYPE IIA, MODIFIER OF. Identifiers: Orphanet 231178, Orphanet 886, MedGen C1848634, MONDO:0010169, OMIM 276901.

Allele frequency attached by ClinVar (database versions not stated): TOPMed below 0.00001.

Submissions (2):

Labcorp Genetics (formerly Invitae), Labcorp
Classification: Pathogenic. Last evaluated: 2023-04-04. Review status: criteria provided, single submitter. Criteria: Invitae Variant Classification Sherloc (09022015). Collection method: clinical testing. Allele origin: germline.
Comment: This variant has not been reported in the literature in individuals affected with USH2A-related conditions. This sequence change creates a premature translational stop signal (p.Leu845Argfs*11) in the USH2A gene. It is expected to result in an absent or disrupted protein product. Loss-of-function variants in USH2A are known to be pathogenic (PMID: 10729113, 10909849, 20507924, 25649381). This variant is not present in population databases (gnomAD no frequency). ClinVar contains an entry for this variant (Variation ID: 801617). For these reasons, this variant has been classified as Pathogenic.

Mendelics
Classification: Pathogenic for Usher syndrome type 2A. Last evaluated: 2019-05-28. Review status: criteria provided, single submitter. Criteria: Mendelics Assertion Criteria 2017. Collection method: clinical testing. Allele origin: unknown.

Literature cited by the submitters: PubMed 10729113 (cited by Labcorp Genetics (formerly Invitae), Labcorp); PubMed 10909849 (cited by Labcorp Genetics (formerly Invitae), Labcorp); PubMed 20507924 (cited by Labcorp Genetics (formerly Invitae), Labcorp); PubMed 25649381 (cited by Labcorp Genetics (formerly Invitae), Labcorp).

NM_206933.4(USH2A):c.2534del (p.Leu845fs)

Genes: USH2A (usherin; minus strand), LOC122152296 (Sharpr-MPRA regulatory region 8762; plus strand). Cytogenetic location: 1q41.
Variant type: Deletion.
Coding change: c.2534del on transcript NM_206933.4 (MANE Select); coding-DNA position 2534, one base deleted (T; older notation c.2534delT).
Protein change: p.Leu845fs; shifts the reading frame from leucine 845.
Molecular consequence: frameshift variant.
Genome position (GRCh38, 1-based): chr1:216,246,860, A deleted on the plus strand (T on the coding strand, the reverse complement: USH2A is on the minus strand). VCF-style (leftmost placement, unchanged base first): chr1-216246859-CA-C. GRCh37 (hg19) VCF-style: chr1-216420201-CA-C.
Other names: c.2534del, p.Leu845fs (NM_007123.6); short protein forms L845fs.
Identifiers: ClinVar variation 801617 (VCV000801617.4), dbSNP rs1572088481, ClinGen allele CA915942024.